The following is an entry in ClinVar:

ClinVar aggregate classification (germline): Uncertain significance. Review status: criteria provided, multiple submitters, no conflicts (2 of 4 stars). 3 submissions from 3 submitters: Uncertain significance (3). Last evaluated 2026-07-28.

Conditions:
WHRN-related disorder. Also called: WHRN-related condition.

Allele frequency attached by ClinVar (database versions not stated): gnomAD 0.00001; gnomAD exomes 0.00001 and 0.00002; TOPMed 0.00002.
gnomAD v4.1: 8 of 1,612,524 alleles (0.0005%); highest among the groups gnomAD compares: Admixed American, 0.012%; no homozygotes.

Submissions (3):

PreventionGenetics, part of Exact Sciences
Classification: Uncertain significance for WHRN-related condition. Last evaluated: 2026-07-28. Review status: criteria provided, single submitter. Criteria: ACMG Guidelines, 2015. Collection method: clinical testing. Allele origin: germline.
Comment: The WHRN c.1784C>A variant is predicted to result in the amino acid substitution p.Pro595Gln. To our knowledge, this variant has not been reported in the literature. This variant is reported in 0.015% of alleles in individuals of Latino descent in gnomAD. At this time, the clinical significance of this variant is uncertain due to the absence of conclusive functional and genetic evidence.

GeneDx
Classification: Uncertain significance. Last evaluated: 2024-08-19. Review status: criteria provided, single submitter. Criteria: GeneDx Variant Classification Process June 2021. Collection method: clinical testing. Allele origin: germline. Affected: yes.
Comment: In silico analysis indicates that this missense variant does not alter protein structure/function; Has not been previously published as pathogenic or benign to our knowledge

Labcorp Genetics (formerly Invitae), Labcorp
Classification: Uncertain significance. Last evaluated: 2022-10-17. Review status: criteria provided, single submitter. Criteria: Invitae Variant Classification Sherloc (09022015). Collection method: clinical testing. Allele origin: germline.
Comment: This sequence change replaces proline, which is neutral and non-polar, with glutamine, which is neutral and polar, at codon 595 of the WHRN protein (p.Pro595Gln). This variant is present in population databases (no rsID available, gnomAD 0.02%). This variant has not been reported in the literature in individuals affected with WHRN-related conditions. ClinVar contains an entry for this variant (Variation ID: 846500). Algorithms developed to predict the effect of missense changes on protein structure and function (SIFT, PolyPhen-2, Align-GVGD) all suggest that this variant is likely to be tolerated. In summary, the available evidence is currently insufficient to determine the role of this variant in disease. Therefore, it has been classified as a Variant of Uncertain Significance.

NM_015404.4(WHRN):c.1784C>A (p.Pro595Gln)

Gene: WHRN (whirlin; minus strand). Cytogenetic location: 9q32.
Variant type: single nucleotide variant.
Coding change: c.1784C>A on transcript NM_015404.4 (MANE Select); coding-DNA position 1784, C replaced by A.
Protein change: p.Pro595Gln; replaces proline 595 with glutamine.
Molecular consequence: missense variant.
Genome position (GRCh38, 1-based): chr9:114,406,807, G>T on the plus strand (C>A on the coding strand, the complement: WHRN is on the minus strand). VCF-style: chr9-114406807-G-T. GRCh37 (hg19) VCF-style: chr9-117169087-G-T.
Other names: c.635C>A, p.Pro212Gln (NM_001083885.3); c.1784C>A, p.Pro595Gln (NM_001173425.2); c.731C>A, p.Pro244Gln (NM_001346890.1); c.1784C>A (NM_015404.2); short protein forms P212Q, P244Q, P595Q.
Identifiers: ClinVar variation 846500 (VCV000846500.7), dbSNP rs1287573798, ClinGen allele CA374620920.
Genomic context (GRCh38, chr9:114,406,807, plus strand): 5'-GAAGGCATGGAGGAAGGTGGCTGGAGGTCCTCTCTCCCCAGCTTCCTTGGCTGGCCTAGT[G>T]GGAGGTCGTTGCCTTGGGCCAGAGGTGGTGGGCGAGGCAGTGGCTTGAAGCTTGACAGCC-3'
Protein context (NP_056219.3, residues 585-605): PPPLAQGNDL[Pro595Gln]LGQPRKLGRE